The following is an entry in ClinVar:

NM_006516.4(SLC2A1):c.250G>A (p.Gly84Ser)

Gene: SLC2A1 (solute carrier family 2 member 1; minus strand). Cytogenetic location: 1p34.2.
Variant type: single nucleotide variant.
Coding change: c.250G>A on transcript NM_006516.4 (MANE Select); coding-DNA position 250, G replaced by A.
Protein change: p.Gly84Ser; replaces glycine 84 with serine.
Molecular consequence: missense variant.
Genome position (GRCh38, 1-based): chr1:42,931,071, C>T on the plus strand (G>A on the coding strand, the complement: SLC2A1 is on the minus strand). VCF-style: chr1-42931071-C-T. GRCh37 (hg19) VCF-style: chr1-43396742-C-T.
Other names: c.250G>A (NM_006516.2); short protein forms G84S.
Identifiers: ClinVar variation 1708121 (VCV001708121.9), dbSNP rs768621727, ClinGen allele CA803591.

ClinVar aggregate classification (germline): Uncertain significance. Review status: criteria provided, multiple submitters, no conflicts (2 of 4 stars). 9 submissions from 5 submitters: Uncertain significance (9). Last evaluated 2023-07-06.

Conditions:
Inborn genetic diseases. Identifiers: MedGen C0950123, MeSH D030342.
Encephalopathy due to GLUT1 deficiency. Also called: Classic Glucose Transporter Type 1 Deficiency Syndrome; GLUCOSE TRANSPORT DEFECT, BLOOD-BRAIN BARRIER; GLUT1 deficiency syndrome 1, infantile onset, severe; Glucose transporter protein syndrome; GLUT1 deficiency syndrome 1; De Vivo disease. Identifiers: Orphanet 71277, MedGen C4551966, MONDO:0011724, OMIM 606777.
Childhood onset GLUT1 deficiency syndrome 2. Also called: PAROXYSMAL EXERCISE-INDUCED DYSKINESIA WITH OR WITHOUT EPILEPSY AND/OR HEMOLYTIC ANEMIA; PAROXYSMAL EXERTION-INDUCED DYSTONIA WITH OR WITHOUT EPILEPSY AND/OR HEMOLYTIC ANEMIA; PED WITH OR WITHOUT EPILEPSY AND/OR HEMOLYTIC ANEMIA; Exertion-induced paroxysmal dyskinesia; Paroxysmal exercise-induced dystonia; PxMD-SLC2A1. Identifiers: Orphanet 98811, MedGen C1842534, MONDO:0012805, OMIM 612126.
Hereditary cryohydrocytosis with reduced stomatin. Also called: Stomatin-deficient cryohydrocytosis with neurologic defects; GLUT1 DEFICIENCY SYNDROME WITH PSEUDOHYPERKALEMIA AND HEMOLYSIS. Identifiers: Orphanet 168577, MedGen C1837206, MONDO:0012143, OMIM 608885.
Dystonia 9 (DYT9). Also called: CHOREOATHETOSIS, KINESIGENIC, WITH EPISODIC ATAXIA AND SPASTICITY. Identifiers: Orphanet 53583, MedGen C1832855, MONDO:0010983, OMIM 601042.
Epilepsy, idiopathic generalized, susceptibility to, 12 (EIG12). Identifiers: MedGen C3553859, MONDO:0013919, OMIM 614847.

Allele frequency attached by ClinVar (database versions not stated): gnomAD exomes below 0.00001; TOPMed below 0.00001; ExAC 0.00001; gnomAD 0.00001.
gnomAD v4.1: 7 of 1,614,052 alleles (0.00043%); highest among the groups gnomAD compares: Non-Finnish European, 0.00059%; no homozygotes.

Submissions (9):

Blueprint Genetics
Classification: Uncertain significance. Last evaluated: 2023-07-06. Review status: criteria provided, single submitter. Criteria: ACMG Guidelines, 2015. Collection method: clinical testing. Allele origin: germline.

Genome-Nilou Lab
Classification: Uncertain significance for Epilepsy, idiopathic generalized, susceptibility to, 12. Last evaluated: 2023-04-11. Review status: criteria provided, single submitter. Criteria: ACMG Guidelines, 2015. Collection method: clinical testing. Allele origin: germline. Affected: no.

Genome-Nilou Lab
Classification: Uncertain significance for Dystonia 9. Last evaluated: 2023-04-11. Review status: criteria provided, single submitter. Criteria: ACMG Guidelines, 2015. Collection method: clinical testing. Allele origin: germline. Affected: no.

Genome-Nilou Lab
Classification: Uncertain significance for Encephalopathy due to GLUT1 deficiency. Last evaluated: 2023-04-11. Review status: criteria provided, single submitter. Criteria: ACMG Guidelines, 2015. Collection method: clinical testing. Allele origin: germline. Affected: no.

Genome-Nilou Lab
Classification: Uncertain significance for Childhood onset GLUT1 deficiency syndrome 2. Last evaluated: 2023-04-11. Review status: criteria provided, single submitter. Criteria: ACMG Guidelines, 2015. Collection method: clinical testing. Allele origin: germline. Affected: no.

Genome-Nilou Lab
Classification: Uncertain significance for Hereditary cryohydrocytosis with reduced stomatin. Last evaluated: 2023-04-11. Review status: criteria provided, single submitter. Criteria: ACMG Guidelines, 2015. Collection method: clinical testing. Allele origin: germline. Affected: no.

Ambry Genetics
Classification: Uncertain significance for Inborn genetic diseases. Last evaluated: 2022-10-27. Review status: criteria provided, single submitter. Criteria: Ambry Variant Classification Scheme 2023. Collection method: clinical testing. Allele origin: germline.

Laboratory of Medical Genetics, National & Kapodistrian University of Athens
Classification: Uncertain significance for Hereditary cryohydrocytosis with reduced stomatin. Last evaluated: 2022-07-04. Review status: criteria provided, single submitter. Criteria: ACMG Guidelines, 2015. Collection method: clinical testing. Allele origin: germline. Affected: yes.
Comment: PM2, PP2, PP3

Revvity Omics, Revvity
Classification: Uncertain significance. Last evaluated: 2021-07-22. Review status: criteria provided, single submitter. Criteria: ACMG Guidelines, 2015. Collection method: clinical testing. Allele origin: germline.